The following is an entry in ClinVar:

NM_002250.3(KCNN4):c.60G>T (p.Glu20Asp)

Gene: KCNN4 (potassium calcium-activated channel subfamily N member 4; minus strand). Cytogenetic location: 19q13.31.
Variant type: single nucleotide variant.
Coding change: c.60G>T on transcript NM_002250.3 (MANE Select); coding-DNA position 60, G replaced by T.
Protein change: p.Glu20Asp; replaces glutamic acid 20 with aspartic acid.
Molecular consequence: missense variant.
Genome position (GRCh38, 1-based): chr19:43,780,802, C>A on the plus strand (G>T on the coding strand, the complement: KCNN4 is on the minus strand). VCF-style: chr19-43780802-C-A. GRCh37 (hg19) VCF-style: chr19-44284954-C-A.
Other names: short protein forms E20D.
Identifiers: ClinVar variation 4703482 (VCV004703482.1).
Genomic context (GRCh38, chr19:43,780,802, plus strand): 5'-CATGAGTCCAATGCCAGTTCCTGCCAGCACCAGTGCCCAGCCGGCCAGAGACTTCTCCTG[C>A]TCCAGCAAGCGCTTTCGGCGTCTCAAGGCCCCCAGGCCAAGCACCAGATCCCCGCCCATG-3'
Protein context (NP_002241.1, residues 10-30): GALRRRKRLL[Glu20Asp]QEKSLAGWAL

ClinVar aggregate classification (germline): Uncertain significance (1 of 4 stars; one submission).

gnomAD v4.1: 2 of 1,613,930 alleles (0.00012%); highest among the groups gnomAD compares: Admixed American, 0.0033%; no homozygotes.

Submission:

Labcorp Genetics (formerly Invitae), Labcorp
Classification: Uncertain significance. Last evaluated: 2025-05-22. Review status: criteria provided, single submitter. Criteria: Invitae Variant Classification Sherloc (09022015). Collection method: clinical testing. Allele origin: germline.
Comment: This sequence change replaces glutamic acid, which is acidic and polar, with aspartic acid, which is acidic and polar, at codon 20 of the KCNN4 protein (p.Glu20Asp). This variant is present in population databases (no rsID available, gnomAD 0.1%). This variant has not been reported in the literature in individuals affected with KCNN4-related conditions. Invitae Evidence Modeling of protein sequence and biophysical properties (such as structural, functional, and spatial information, amino acid conservation, physicochemical variation, residue mobility, and thermodynamic stability) indicates that this missense variant is not expected to disrupt KCNN4 protein function with a negative predictive value of 80%. In summary, the available evidence is currently insufficient to determine the role of this variant in disease. Therefore, it has been classified as a Variant of Uncertain Significance.